The following is an entry in ClinVar:

ClinVar aggregate classification (germline): Conflicting classifications of pathogenicity. Review status: criteria provided, conflicting classifications (1 of 4 stars). 2 submissions from 2 submitters: Likely pathogenic (1); Uncertain significance (1). Last evaluated 2024-07-02.

gnomAD v4.1: 1 of 1,613,686 alleles (0.000062%); highest among the groups gnomAD compares: East Asian, 0.0022%; no homozygotes.

Submissions (2):

GeneDx
Classification: Likely pathogenic. Last evaluated: 2024-07-02. Review status: criteria provided, single submitter. Criteria: GeneDx Variant Classification Process June 2021. Collection method: clinical testing. Allele origin: germline. Affected: yes.
Comment: Not observed at significant frequency in large population cohorts (gnomAD); In silico analysis supports that this missense variant has a deleterious effect on protein structure/function; This variant is associated with the following publications: (PMID: 23069638, 30611313, 21062345, 38162159)

Blueprint Genetics
Classification: Uncertain significance. Last evaluated: 2023-03-29. Review status: criteria provided, single submitter. Criteria: ACMG Guidelines, 2015. Collection method: clinical testing. Allele origin: germline.

NM_000540.3(RYR1):c.12541G>A (p.Glu4181Lys)

Gene: RYR1 (ryanodine receptor 1; plus strand). Cytogenetic location: 19q13.2.
Variant type: single nucleotide variant.
Coding change: c.12541G>A on transcript NM_000540.3 (MANE Select); coding-DNA position 12541, G replaced by A.
Protein change: p.Glu4181Lys; replaces glutamic acid 4181 with lysine.
Molecular consequence: missense variant.
Genome position (GRCh38, 1-based): chr19:38,561,371, G>A. VCF-style: chr19-38561371-G-A. GRCh37 (hg19) VCF-style: chr19-39052011-G-A.
Other names: c.12526G>A, p.Glu4176Lys (NM_001042723.2); short protein forms E4181K, E4176K.
Identifiers: ClinVar variation 3393532 (VCV003393532.2).
Genomic context (GRCh38, chr19:38,561,371, plus strand): 5'-AACTTCCTGGAGCTGGCCGAGAGCATCCTTGAGTACTTCCGCCCCTACCTGGGCCGCATC[G>A]AGATCATGGGCGCGTCACGCCGCATCGAGCGCATCTACTTCGAGATCTCAGAGACCAACC-3'
Protein context (NP_000531.2, residues 4171-4191): EYFRPYLGRI[Glu4181Lys]IMGASRRIER